The following is an entry in ClinVar:

ClinVar aggregate classification (germline): Uncertain significance (1 of 4 stars; one submission).

Submission:

Ambry Genetics
Classification: Uncertain significance. Last evaluated: 2023-10-01. Review status: criteria provided, single submitter. Criteria: Ambry Variant Classification Scheme 2023. Collection method: clinical testing. Allele origin: germline.
Comment: The p.T1243N variant (also known as c.3728C>A), located in coding exon 17 of the NPAT gene, results from a C to A substitution at nucleotide position 3728. The threonine at codon 1243 is replaced by asparagine, an amino acid with similar properties. This amino acid position is conserved. In addition, this alteration is predicted to be tolerated by in silico analysis. Since supporting evidence is limited at this time, the clinical significance of this alteration remains unclear.

NM_002519.3(NPAT):c.3728C>A (p.Thr1243Asn)

Gene: NPAT (nuclear protein, coactivator of histone transcription; minus strand). Cytogenetic location: 11q22.3.
Variant type: single nucleotide variant.
Coding change: c.3728C>A on transcript NM_002519.3 (MANE Select); coding-DNA position 3728, C replaced by A.
Protein change: p.Thr1243Asn; replaces threonine 1243 with asparagine.
Molecular consequence: missense variant.
Genome position (GRCh38, 1-based): chr11:108,161,358, G>T on the plus strand (C>A on the coding strand, the complement: NPAT is on the minus strand). VCF-style: chr11-108161358-G-T. GRCh37 (hg19) VCF-style: chr11-108032085-G-T.
Other names: c.3749C>A, p.Thr1250Asn (NM_001321307.1); short protein forms T1243N, T1250N.
Identifiers: ClinVar variation 3222601 (VCV003222601.1), dbSNP rs2496694881, ClinGen allele CA382510178.
Genomic context (GRCh38, chr11:108,161,358, plus strand): 5'-CTACTATCAGCAAGCCTACTTACTGAGCTGTGCCTCTGTATATCCTGTAACATTTCTGTG[G>T]TAATCAAAGAACTGGCGGATTTAGTTTGTTCTTGTTTTAGATCCTTCACAGCTGTACCTA-3'
Protein context (NP_002510.2, residues 1233-1253): EQTKSASSLI[Thr1243Asn]TEMLQDIQRH